The following is an entry in ClinVar:

ClinVar aggregate classification (germline): Uncertain significance (1 of 4 stars; one submission).

Allele frequency attached by ClinVar (database versions not stated): gnomAD 0.00004 and 0.00005; TOPMed 0.00004; ExAC 0.00005; gnomAD exomes 0.00005; 1000 Genomes Project 30x 0.00031; 1000 Genomes Project 0.00040.
gnomAD v4.1: 25 of 1,557,166 alleles (0.0016%); highest among the groups gnomAD compares: East Asian, 0.022%; no homozygotes.

Submission:

Labcorp Genetics (formerly Invitae), Labcorp
Classification: Uncertain significance. Last evaluated: 2024-11-05. Review status: criteria provided, single submitter. Criteria: Invitae Variant Classification Sherloc (09022015). Collection method: clinical testing. Allele origin: germline.
Comment: This sequence change replaces arginine, which is basic and polar, with cysteine, which is neutral and slightly polar, at codon 335 of the PEPD protein (p.Arg335Cys). This variant is present in population databases (rs543374825, gnomAD 0.03%). This variant has not been reported in the literature in individuals affected with PEPD-related conditions. ClinVar contains an entry for this variant (Variation ID: 1404351). Invitae Evidence Modeling of protein sequence and biophysical properties (such as structural, functional, and spatial information, amino acid conservation, physicochemical variation, residue mobility, and thermodynamic stability) has been performed for this missense variant. However, the output from this modeling did not meet the statistical confidence thresholds required to predict the impact of this variant on PEPD protein function. In summary, the available evidence is currently insufficient to determine the role of this variant in disease. Therefore, it has been classified as a Variant of Uncertain Significance.

NM_000285.4(PEPD):c.1003C>T (p.Arg335Cys)

Gene: PEPD (peptidase D; minus strand). Cytogenetic location: 19q13.11.
Variant type: single nucleotide variant.
Coding change: c.1003C>T on transcript NM_000285.4 (MANE Select); coding-DNA position 1003, C replaced by T.
Protein change: p.Arg335Cys; replaces arginine 335 with cysteine.
Molecular consequence: missense variant.
Genome position (GRCh38, 1-based): chr19:33,391,444, G>A on the plus strand (C>T on the coding strand, the complement: PEPD is on the minus strand). VCF-style: chr19-33391444-G-A. GRCh37 (hg19) VCF-style: chr19-33882350-G-A.
Other names: c.880C>T, p.Arg294Cys (NM_001166056.2); c.811C>T, p.Arg271Cys (NM_001166057.2); short protein forms R294C, R335C, R271C.
Identifiers: ClinVar variation 1404351 (VCV001404351.7), dbSNP rs543374825, ClinGen allele CA9364029.
Genomic context (GRCh38, chr19:33,391,444, plus strand): 5'-CCATGGCGTCCACGCTGCCGCTCAGGATGCCCATGTGGGCCAGCTCCTCCAGGTGGATGC[G>A]GTCAGCCAGGCGGTGCATGTCAGGCCACCAGACACCTGTGGGCCAGAGGGAGCTGCCGTG-3'
Protein context (NP_000276.2, residues 325-345): WWPDMHRLAD[Arg335Cys]IHLEELAHMG